The following is an entry in ClinVar:

NM_000051.4(ATM):c.-111G>A

Genes: ATM (ATM serine/threonine kinase; plus strand), LOC130006700 (ATAC-STARR-seq lymphoblastoid active region 5484; plus strand). Cytogenetic location: 11q22.3.
Variant type: single nucleotide variant.
Coding change: c.-111G>A on transcript NM_000051.4 (MANE Select); 111 bases upstream of the start codon, G replaced by A.
Molecular consequence: 5 prime UTR variant.
Genome position (GRCh38, 1-based): chr11:108,223,106, G>A. VCF-style: chr11-108223106-G-A. GRCh37 (hg19) VCF-style: chr11-108093833-G-A.
Other names: c.-199G>A (NM_001351834.2); c.-111G>A (NM_001351835.2).
Identifiers: ClinVar variation 302240 (VCV000302240.16), dbSNP rs189037, ClinGen allele CA10633298.

ClinVar aggregate classification (germline): Benign. Review status: criteria provided, multiple submitters, no conflicts (2 of 4 stars). 5 submissions from 5 submitters: Benign (5). Last evaluated 2026-02-02.

Conditions:
Hereditary cancer-predisposing syndrome. Also called: Hereditary Cancer Syndrome; Hereditary neoplastic syndrome; Neoplastic Syndromes, Hereditary; Tumor predisposition. Identifiers: Orphanet 140162, MedGen C0027672, MeSH D009386, MONDO:0015356.
Ataxia-telangiectasia syndrome (AT). Also called: Ataxia-telangiectasia, complementation group E; LOUIS-BAR SYNDROME; Cerebello-oculocutaneous telangiectasia; Immunodeficiency with ataxia telangiectasia; Ataxia-telangiectasia, complementation group D; AT, COMPLEMENTATION GROUP C. Identifiers: Orphanet 100, MedGen C0004135, MONDO:0008840, OMIM 208900.

Allele frequency attached by ClinVar (database versions not stated): 1000 Genomes Project 30x 0.47142; 1000 Genomes Project 0.47604; TOPMed 0.48037; gnomAD 0.48627 and 0.49161; gnomAD exomes 0.51524.

Submissions (5):

Labcorp Genetics (formerly Invitae), Labcorp
Classification: Benign for Ataxia-telangiectasia syndrome. Last evaluated: 2026-02-02. Review status: criteria provided, single submitter. Criteria: Invitae Variant Classification Sherloc (09022015). Collection method: clinical testing. Allele origin: germline.

GeneKor MSA
Classification: Benign for Hereditary cancer-predisposing syndrome. Last evaluated: 2025-07-10. Review status: criteria provided, single submitter. Criteria: ACMG Guidelines, 2015. Collection method: clinical testing. Allele origin: germline.

Illumina Laboratory Services, Illumina
Classification: Benign for Ataxia-telangiectasia syndrome. Last evaluated: 2018-03-06. Review status: criteria provided, single submitter. Criteria: ICSL Variant Classification Criteria 13 December 2019. Collection method: clinical testing. Allele origin: germline.
Comment: This variant was observed in the ICSL laboratory as part of a predisposition screen in an ostensibly healthy population. It had not been previously curated by ICSL or reported in the Human Gene Mutation Database (HGMD: prior to June 1st, 2018), and was therefore a candidate for classification through an automated scoring system. Utilizing variant allele frequency, disease prevalence and penetrance estimates, and inheritance mode, an automated score was calculated to assess if this variant is too frequent to cause the disease. Based on the score and internal cut-off values, a variant classified as benign is not then subjected to further curation. The score for this variant resulted in a classification of benign for this disease.

GeneDx
Classification: Benign. Last evaluated: 2015-03-03. Review status: criteria provided, single submitter. Criteria: GeneDx Variant Classification Process June 2021. Collection method: clinical testing. Allele origin: germline. Affected: yes.
Comment: This variant is associated with the following publications: (PMID: 20816691, 22529920, 22960875, 20004998, 21108427, 23993922, 21937043)

Breakthrough Genomics
Classification: Benign. Review status: criteria provided, single submitter. Criteria: ACMG Guidelines, 2015. Collection method: not provided. Allele origin: germline. Inheritance: Autosomal recessive inheritance. Affected: yes.